The following is an entry in ClinVar:

NM_006231.4(POLE):c.2717C>T (p.Thr906Ile)

Gene: POLE (DNA polymerase epsilon, catalytic subunit; minus strand). Cytogenetic location: 12q24.33.
Variant type: single nucleotide variant.
Coding change: c.2717C>T on transcript NM_006231.4 (MANE Select); coding-DNA position 2717, C replaced by T.
Protein change: p.Thr906Ile; replaces threonine 906 with isoleucine.
Molecular consequence: missense variant.
Genome position (GRCh38, 1-based): chr12:132,661,674, G>A on the plus strand (C>T on the coding strand, the complement: POLE is on the minus strand). VCF-style: chr12-132661674-G-A. GRCh37 (hg19) VCF-style: chr12-133238260-G-A.
Other names: short protein forms T906I.
Identifiers: ClinVar variation 1485582 (VCV001485582.8), dbSNP rs2135949682, ClinGen allele CA387394045.

ClinVar aggregate classification (germline): Uncertain significance (1 of 4 stars; one submission).

Allele frequency attached by ClinVar (database versions not stated): gnomAD exomes below 0.00001.

Submission:

Labcorp Genetics (formerly Invitae), Labcorp
Classification: Uncertain significance. Last evaluated: 2021-04-23. Review status: criteria provided, single submitter. Criteria: Invitae Variant Classification Sherloc (09022015). Collection method: clinical testing. Allele origin: germline.
Comment: Algorithms developed to predict the effect of missense changes on protein structure and function (SIFT, PolyPhen-2, Align-GVGD) all suggest that this variant is likely to be disruptive, but these predictions have not been confirmed by published functional studies and their clinical significance is uncertain. In summary, the available evidence is currently insufficient to determine the role of this variant in disease. Therefore, it has been classified as a Variant of Uncertain Significance. This variant has not been reported in the literature in individuals with POLE-related conditions. This sequence change replaces threonine with isoleucine at codon 906 of the POLE protein (p.Thr906Ile). The threonine residue is highly conserved and there is a moderate physicochemical difference between threonine and isoleucine. This variant is not present in population databases (ExAC no frequency).